The following is an entry in ClinVar:

NM_000419.5(ITGA2B):c.1374C>G (p.Ile458Met)

Gene: ITGA2B (integrin subunit alpha 2b; minus strand). Cytogenetic location: 17q21.31.
Variant type: single nucleotide variant.
Coding change: c.1374C>G on transcript NM_000419.5 (MANE Select); coding-DNA position 1374, C replaced by G.
Protein change: p.Ile458Met; replaces isoleucine 458 with methionine.
Molecular consequence: missense variant.
Genome position (GRCh38, 1-based): chr17:44,380,898, G>C on the plus strand (C>G on the coding strand, the complement: ITGA2B is on the minus strand). VCF-style: chr17-44380898-G-C. GRCh37 (hg19) VCF-style: chr17-42458266-G-C.
Other names: NM_000419.5(ITGA2B):c.1374C>G; p.Ile458Met; c.1374C>G (NM_000419.4); short protein forms I458M.
Identifiers: ClinVar variation 1684814 (VCV001684814.11), dbSNP rs372294932, ClinGen allele CA8603157.

ClinVar aggregate classification (germline): Benign. Review status: reviewed by expert panel (3 of 4 stars). 7 submissions from 7 submitters: Benign (1). 6 of the submissions do not count toward it. Last evaluated 2024-04-16.

Conditions:
ITGA2B-related disorder. Also called: ITGA2B-related condition; ITGA2B-related disorders.
Glanzmann thrombasthenia. Also called: PLATELET GLYCOPROTEIN IIb-IIIa DEFICIENCY; Glanzmann's thrombasthenia; Thrombasthenia; THROMBASTHENIA OF GLANZMANN AND NAEGELI. Identifiers: Orphanet 849, MedGen C0040015, MONDO:0100326.

Allele frequency attached by ClinVar (database versions not stated): 1000 Genomes Project 30x 0.00172; 1000 Genomes Project 0.00200.
gnomAD v4.1: 336 of 1,614,224 alleles (0.021%); highest among the groups gnomAD compares: South Asian, 0.35%; 3 homozygotes.

Submissions (7):

ClinGen Platelet Disorders Variant Curation Expert Panel, ClinGen
Classification: Benign for Glanzmann thrombasthenia. Last evaluated: 2024-04-16. Review status: reviewed by expert panel. Criteria: ClinGen Platelet ACMG Specifications v2-1. Collection method: curation. Allele origin: germline. Inheritance: Autosomal recessive inheritance.
Comment: The NM_000419.5(ITGA2B):c.1374C>G (p.Ile458Met) missense variant has been reported in at least one patient (Patient 6 in PMID:19172520/GT database record 163), however it occurs at a high allele frequency with the highest population minor allele frequency in gnomAD v4.0.0 is 0.003502 (319/91084 alleles with 3 homozygotes) in the South Asian population, which is higher than the ClinGen PD VCEP threshold (>0.0024), and therefore meets this criterion (BA1). In summary, this variant meets the criteria to be classified as Benign, for autosomal recessive Glanzmann Thrombasthenia based on the ACMG/AMP criteria applied, as specified by the ClinGen PD VCEP: BA1 (VCEP specifications version 2.1).

Labcorp Genetics (formerly Invitae), Labcorp
Classification: Likely benign for Glanzmann thrombasthenia. Last evaluated: 2026-01-24. Review status: criteria provided, single submitter. Criteria: Invitae Variant Classification Sherloc (09022015). Collection method: clinical testing. Allele origin: germline. Not counted in ClinVar's aggregate classification.

Mayo Clinic Laboratories, Mayo Clinic
Classification: Benign. Last evaluated: 2025-09-16. Review status: criteria provided, single submitter. Criteria: ACMG Guidelines, 2015. Collection method: clinical testing. Allele origin: germline. Observed: 2 variant alleles. Not counted in ClinVar's aggregate classification.
Comment: BA1, BS2

PreventionGenetics, part of Exact Sciences
Classification: Likely benign for ITGA2B-related condition. Last evaluated: 2025-05-06. Review status: criteria provided, single submitter. Criteria: ACMG Guidelines, 2015. Collection method: clinical testing. Allele origin: germline. Not counted in ClinVar's aggregate classification.
Comment: This variant is classified as likely benign based on ACMG/AMP sequence variant interpretation guidelines (Richards et al. 2015 PMID: 25741868, with internal and published modifications).

Women's Health and Genetics/Laboratory Corporation of America, LabCorp
Classification: Uncertain significance. Last evaluated: 2023-07-05. Review status: criteria provided, single submitter. Criteria: LabCorp Variant Classification Summary - May 2015. Collection method: clinical testing. Allele origin: germline. Not counted in ClinVar's aggregate classification.
Comment: Variant summary: ITGA2B c.1374C>G (p.Ile458Met) results in a conservative amino acid change in the encoded protein sequence. Three of five in-silico tools predict a damaging effect of the variant on protein function. The variant allele was found at a frequency of 0.00046 in 251460 control chromosomes, predominantly at a frequency of 0.0037 within the South Asian subpopulation in the gnomAD database, including 1 homozygote. The available data on variant occurrences in the general population are insufficient to allow any conclusion about variant significance. c.1374C>G has been reported in the literature in at least one homozygous individual affected with Glanzmann thrombasthenia 1 (e.g., Vijapurkar_2009, Mansour_2011). These reports do not provide unequivocal conclusions about association of the variant with Glanzmann thrombasthenia 1. To our knowledge, no experimental evidence demonstrating an impact on protein function has been reported. The following publications have been ascertained in the context of this evaluation (PMID: 21029361, 19172520). Two submitters have reported clinical-significance assessments for this variant to ClinVar after 2014. One submitter classified the variant as likely benign, and one submitter classified the variant as uncertain significance. Based on the evidence outlined above, the variant was classified as uncertain significance.

Mendelics
Classification: Uncertain significance. Last evaluated: 2022-05-04. Review status: criteria provided, single submitter. Criteria: Mendelics Assertion Criteria 2019. Collection method: clinical testing. Allele origin: germline. Not counted in ClinVar's aggregate classification.

Breakthrough Genomics
Classification: Uncertain significance. Review status: criteria provided, single submitter. Criteria: ACMG Guidelines, 2015. Collection method: not provided. Allele origin: germline. Inheritance: Autosomal recessive inheritance. Affected: yes. Not counted in ClinVar's aggregate classification.

Literature cited by the submitters: PubMed 21029361 (cited by Women's Health and Genetics/Laboratory Corporation of America, LabCorp); PubMed 19172520 (cited by Women's Health and Genetics/Laboratory Corporation of America, LabCorp).